The following is an entry in ClinVar:

ClinVar aggregate classification (germline): Conflicting classifications of pathogenicity. Review status: criteria provided, conflicting classifications (1 of 4 stars). 8 submissions from 8 submitters: Uncertain significance (1); Benign (1); Likely benign (5). 1 of the submissions does not count toward it. Last evaluated 2026-01-28.

Conditions:
Fanconi anemia (FA). Also called: Fanconi's anemia. Identifiers: Orphanet 84, MedGen C0015625, MeSH D005199, MONDO:0019391.
Fanconi anemia complementation group A (FANCA). Also called: FANCA-Related Fanconi Anemia; Fanconi anemia, group A. Identifiers: Orphanet 84, MedGen C3469521, MONDO:0009215, OMIM 227650.

Allele frequency attached by ClinVar (database versions not stated): ESP Exome Variant Server 0.00077; 1000 Genomes Project 30x 0.00078; 1000 Genomes Project 0.00080; ExAC 0.00085; gnomAD exomes 0.00096; TOPMed 0.00099; gnomAD 0.00110 and 0.00117.
gnomAD v4.1: 1,288 of 1,602,378 alleles (0.08%); highest among the groups gnomAD compares: Middle Eastern, 0.98%; 6 homozygotes.

Submissions (8):

Labcorp Genetics (formerly Invitae), Labcorp
Classification: Benign for Fanconi anemia. Last evaluated: 2026-01-28. Review status: criteria provided, single submitter. Criteria: Invitae Variant Classification Sherloc (09022015). Collection method: clinical testing. Allele origin: germline.

Blueprint Genetics
Classification: Likely benign. Last evaluated: 2024-11-27. Review status: criteria provided, single submitter. Criteria: ACMG Guidelines, 2015. Collection method: clinical testing. Allele origin: germline.

KCCC/NGS Laboratory, Kuwait Cancer Control Center
Classification: Likely benign for Fanconi anemia complementation group A. Last evaluated: 2023-07-07. Review status: criteria provided, single submitter. Criteria: ACMG Guidelines, 2015. Collection method: clinical testing. Allele origin: germline. Affected: yes.

GeneDx
Classification: Likely benign. Last evaluated: 2021-04-28. Review status: criteria provided, single submitter. Criteria: GeneDx Variant Classification Process June 2021. Collection method: clinical testing. Allele origin: germline. Affected: yes.

Sema4
Classification: Likely benign for Fanconi anemia. Last evaluated: 2021-03-18. Review status: criteria provided, single submitter. Criteria: Sema4 Curation Guidelines. Collection method: curation. Allele origin: germline.

Illumina Laboratory Services, Illumina
Classification: Uncertain significance for Fanconi anemia complementation group A. Last evaluated: 2017-04-27. Review status: criteria provided, single submitter. Criteria: ICSL Variant Classification Criteria 13 December 2019. Collection method: clinical testing. Allele origin: germline.
Comment: This variant was observed as part of a predisposition screen in an ostensibly healthy population. A literature search was performed for the gene, cDNA change, and amino acid change (where applicable). Publications were found based on this search. However, the evidence from the literature, in combination with allele frequency data from public databases where available, was not sufficient to rule this variant in or out of causing disease. Therefore, this variant is classified as a variant of unknown significance.

PreventionGenetics, part of Exact Sciences
Classification: Likely benign. Review status: criteria provided, single submitter. Criteria: ACMG Guidelines, 2015. Collection method: clinical testing. Allele origin: germline.

ITMI
No classification provided. Condition: AllHighlyPenetrant. Last evaluated: 2013-09-19. Review status: no classification provided. Collection method: reference population. Allele origin: germline. Not counted in ClinVar's aggregate classification.
Comment: Please see associated publication for description of ethnicities

Literature cited by the submitters: PubMed 26140431 (cited by Sema4 and Illumina Laboratory Services, Illumina); PubMed 24728327 (cited by Illumina Laboratory Services, Illumina and ITMI).

NM_000135.4(FANCA):c.80-13C>T

Gene: FANCA (FA complementation group A; minus strand). Cytogenetic location: 16q24.3.
Variant type: single nucleotide variant.
Coding change: c.80-13C>T on transcript NM_000135.4 (MANE Select); 13 bases into the intron before coding-DNA position 80, C replaced by T.
Molecular consequence: intron variant.
Genome position (GRCh38, 1-based): chr16:89,815,999, G>A on the plus strand (C>T on the coding strand, the complement: FANCA is on the minus strand). VCF-style: chr16-89815999-G-A. GRCh37 (hg19) VCF-style: chr16-89882407-G-A.
Other names: c.80-13C>T (NM_001286167.3, NM_001351830.2, NM_001018112.3 and 2 more transcripts).
Identifiers: ClinVar variation 135542 (VCV000135542.18), dbSNP rs189841793, ClinGen allele CA162999.